The following is an entry in ClinVar:

ClinVar aggregate classification (germline): Likely pathogenic (1 of 4 stars; one submission).

Conditions:
Neurofibromatosis, type 1 (NF1). Also called: Peripheral type neurofibromatosis; NEUROFIBROMATOSIS, TYPE I, SOMATIC; VON RECKLINGHAUSEN DISEASE; Neurofibromatosis, type I. Identifiers: Orphanet 636, MedGen C0027831, MONDO:0018975, OMIM 162200. Disease mechanism: loss of function.

Submission:

Labcorp Genetics (formerly Invitae), Labcorp
Classification: Likely pathogenic for Neurofibromatosis, type 1. Last evaluated: 2023-08-03. Review status: criteria provided, single submitter. Criteria: Invitae Variant Classification Sherloc (09022015). Collection method: clinical testing. Allele origin: germline.
Comment: In summary, the currently available evidence indicates that the variant is pathogenic, but additional data are needed to prove that conclusively. Therefore, this variant has been classified as Likely Pathogenic. Algorithms developed to predict the effect of sequence changes on RNA splicing suggest that this variant may disrupt the consensus splice site. This variant has not been reported in the literature in individuals affected with NF1-related conditions. This variant is not present in population databases (gnomAD no frequency). This sequence change affects a splice site in intron 47 of the NF1 gene. It is expected to disrupt RNA splicing. Variants that disrupt the donor or acceptor splice site typically lead to a loss of protein function (PMID: 16199547), and loss-of-function variants in NF1 are known to be pathogenic (PMID: 10712197, 23913538).

Literature cited by the submitters: PubMed 16199547; PubMed 10712197; PubMed 23913538.

NM_001042492.3(NF1):c.7189+2_7189+6del

Gene: NF1 (neurofibromin 1; plus strand). Cytogenetic location: 17q11.2.
Variant type: Deletion.
Coding change: c.7189+2_7189+6del on transcript NM_001042492.3 (MANE Select); the canonical splice donor site of the intron after coding-DNA position 7189 through 6 bases into the intron after coding-DNA position 7189, 5 bases deleted (TAAAA; older notation c.7189+2_7189+6delTAAAA).
Molecular consequence: splice donor variant.
Genome position (GRCh38, 1-based): chr17:31,343,137-31,343,141, TAAAA deleted. VCF-style (leftmost placement, unchanged base first): chr17-31343136-GTAAAA-G. GRCh37 (hg19) VCF-style: chr17-29670154-GTAAAA-G.
Other names: c.7126+2_7126+6del (NM_000267.4).
Identifiers: ClinVar variation 2749863 (VCV002749863.3), dbSNP rs2508780414, ClinGen allele CA2697559659.